The following is an entry in ClinVar:

ClinVar aggregate classification (germline): Pathogenic (1 of 4 stars; one submission).

Submission:

Labcorp Genetics (formerly Invitae), Labcorp
Classification: Pathogenic. Last evaluated: 2026-01-26. Review status: criteria provided, single submitter. Criteria: Invitae Variant Classification Sherloc (09022015). Collection method: clinical testing. Allele origin: germline.
Comment: This sequence change affects a donor splice site in intron 18 of the OCA2 gene. It is expected to disrupt RNA splicing. Variants that disrupt the donor or acceptor splice site typically lead to a loss of protein function (PMID: 16199547), and loss-of-function variants in OCA2 are known to be pathogenic (PMID: 19865097, 21541274). This variant is not present in population databases (gnomAD no frequency). Disruption of this splice site has been observed in individual(s) with oculocutaneous albinism (internal data). ClinVar contains an entry for this variant (Variation ID: 2822299). Algorithms developed to predict the effect of sequence changes on RNA splicing suggest that this variant may disrupt the consensus splice site. For these reasons, this variant has been classified as Pathogenic.

Literature cited by the submitters: PubMed 16199547; PubMed 19865097; PubMed 21541274.

NM_000275.3(OCA2):c.1951+2T>A

Gene: OCA2 (OCA2 melanosomal transmembrane protein; minus strand). Cytogenetic location: 15q13.1.
Variant type: single nucleotide variant.
Coding change: c.1951+2T>A on transcript NM_000275.3 (MANE Select); the canonical splice donor site of the intron after coding-DNA position 1951, T replaced by A.
Molecular consequence: splice donor variant.
Genome position (GRCh38, 1-based): chr15:27,951,782, A>T on the plus strand (T>A on the coding strand, the complement: OCA2 is on the minus strand). VCF-style: chr15-27951782-A-T. GRCh37 (hg19) VCF-style: chr15-28196928-A-T.
Other names: c.1879+2T>A (NM_001300984.2).
Identifiers: ClinVar variation 2822299 (VCV002822299.3), dbSNP rs2506396018, ClinGen allele CA391364230.